The following is an entry in ClinVar:

NM_014314.4(RIGI):c.2051C>T (p.Ala684Val)

Gene: RIGI (RNA sensor RIG-I; minus strand). Cytogenetic location: 9p21.1.
Variant type: single nucleotide variant.
Coding change: c.2051C>T on transcript NM_014314.4 (MANE Select); coding-DNA position 2051, C replaced by T.
Protein change: p.Ala684Val; replaces alanine 684 with valine.
Molecular consequence: missense variant. On other transcripts: intron variant (1).
Genome position (GRCh38, 1-based): chr9:32,467,896, G>A on the plus strand (C>T on the coding strand, the complement: RIGI is on the minus strand). VCF-style: chr9-32467896-G-A. GRCh37 (hg19) VCF-style: chr9-32467894-G-A.
Other names: c.2015-1455C>T (NM_001385909.1); c.2045C>T, p.Ala682Val (NM_001385907.1); c.1610C>T, p.Ala537Val (NM_001385910.1); c.1442C>T, p.Ala481Val (NM_001385912.1); c.2036C>T, p.Ala679Val (NM_001385913.1); c.1607C>T, p.Ala536Val (NM_001385914.1); short protein forms A684V, A481V, A536V, A679V, A682V, A537V.
Identifiers: ClinVar variation 2058428 (VCV002058428.4), dbSNP rs2489295995, ClinGen allele CA373146355.

ClinVar aggregate classification (germline): Uncertain significance (1 of 4 stars; one submission).

gnomAD v4.1: 3 of 1,612,326 alleles (0.00019%); highest among the groups gnomAD compares: Non-Finnish European, 0.00025%; no homozygotes.

Submission:

Labcorp Genetics (formerly Invitae), Labcorp
Classification: Uncertain significance. Last evaluated: 2021-12-24. Review status: criteria provided, single submitter. Criteria: Invitae Variant Classification Sherloc (09022015). Collection method: clinical testing. Allele origin: germline.
Comment: This sequence change replaces alanine, which is neutral and non-polar, with valine, which is neutral and non-polar, at codon 684 of the DDX58 protein (p.Ala684Val). This variant is not present in population databases (gnomAD no frequency). This variant has not been reported in the literature in individuals affected with DDX58-related conditions. Algorithms developed to predict the effect of missense changes on protein structure and function (SIFT, PolyPhen-2, Align-GVGD) all suggest that this variant is likely to be tolerated. In summary, the available evidence is currently insufficient to determine the role of this variant in disease. Therefore, it has been classified as a Variant of Uncertain Significance.